The following is an entry in ClinVar:

NM_006939.4(SOS2):c.1888C>T (p.Arg630Cys)

Gene: SOS2 (SOS Ras/Rho guanine nucleotide exchange factor 2; minus strand). Cytogenetic location: 14q21.3.
Variant type: single nucleotide variant.
Coding change: c.1888C>T on transcript NM_006939.4 (MANE Select); coding-DNA position 1888, C replaced by T.
Protein change: p.Arg630Cys; replaces arginine 630 with cysteine.
Molecular consequence: missense variant.
Genome position (GRCh38, 1-based): chr14:50,158,611, G>A on the plus strand (C>T on the coding strand, the complement: SOS2 is on the minus strand). VCF-style: chr14-50158611-G-A. GRCh37 (hg19) VCF-style: chr14-50625329-G-A.
Other names: c.1789C>T, p.Arg597Cys (NM_001411020.1); short protein forms R630C, R597C.
Identifiers: ClinVar variation 2904513 (VCV002904513.3), dbSNP rs1394217728, ClinGen allele CA389644729.

ClinVar aggregate classification (germline): Uncertain significance (1 of 4 stars; one submission).

Conditions:
Noonan syndrome 9 (NS9). Identifiers: Orphanet 648, MedGen C4225282, MONDO:0014691, OMIM 616559.

gnomAD v4.1: 3 of 1,609,158 alleles (0.00019%); highest among the groups gnomAD compares: East Asian, 0.0022%; no homozygotes.

Submission:

Labcorp Genetics (formerly Invitae), Labcorp
Classification: Uncertain significance for Noonan syndrome 9. Last evaluated: 2023-07-14. Review status: criteria provided, single submitter. Criteria: Invitae Variant Classification Sherloc (09022015). Collection method: clinical testing. Allele origin: germline.
Comment: This sequence change replaces arginine, which is basic and polar, with cysteine, which is neutral and slightly polar, at codon 630 of the SOS2 protein (p.Arg630Cys). In summary, the available evidence is currently insufficient to determine the role of this variant in disease. Therefore, it has been classified as a Variant of Uncertain Significance. Advanced modeling of protein sequence and biophysical properties (such as structural, functional, and spatial information, amino acid conservation, physicochemical variation, residue mobility, and thermodynamic stability) performed at Invitae indicates that this missense variant is expected to disrupt SOS2 protein function. This variant has not been reported in the literature in individuals affected with SOS2-related conditions. This variant is present in population databases (no rsID available, gnomAD 0.006%).